The following is an entry in ClinVar:

ClinVar aggregate classification (germline): Uncertain significance (1 of 4 stars; one submission).

Conditions:
Hyperphosphatasia with intellectual disability syndrome 5 (GPIBD11). Also called: GLYCOSYLPHOSPHATIDYLINOSITOL BIOSYNTHESIS DEFECT 11. Identifiers: Orphanet 247262, MedGen C4014958, MONDO:0014457, OMIM 616025.

Allele frequency attached by ClinVar (database versions not stated): ExAC 0.00001; gnomAD exomes 0.00001; TOPMed 0.00001; ESP Exome Variant Server 0.00008.
gnomAD v4.1: 10 of 1,614,196 alleles (0.00062%); highest among the groups gnomAD compares: Non-Finnish European, 0.00085%; no homozygotes.

Submission:

Labcorp Genetics (formerly Invitae), Labcorp
Classification: Uncertain significance for Hyperphosphatasia with intellectual disability syndrome 5. Last evaluated: 2024-10-30. Review status: criteria provided, single submitter. Criteria: Invitae Variant Classification Sherloc (09022015). Collection method: clinical testing. Allele origin: germline.
Comment: This sequence change replaces leucine, which is neutral and non-polar, with arginine, which is basic and polar, at codon 107 of the PIGW protein (p.Leu107Arg). This variant is present in population databases (rs148520565, gnomAD 0.002%). This variant has not been reported in the literature in individuals affected with PIGW-related conditions. ClinVar contains an entry for this variant (Variation ID: 1515473). An algorithm developed to predict the effect of missense changes on protein structure and function (PolyPhen-2) suggests that this variant is likely to be tolerated. In summary, the available evidence is currently insufficient to determine the role of this variant in disease. Therefore, it has been classified as a Variant of Uncertain Significance.

NM_001346754.2(PIGW):c.320T>G (p.Leu107Arg)

Genes: MYO19 (myosin XIX; minus strand), PIGW (phosphatidylinositol glycan anchor biosynthesis class W; plus strand). Cytogenetic location: 17q12.
Variant type: single nucleotide variant.
Coding change: c.320T>G on transcript NM_001346754.2 (MANE Select); coding-DNA position 320, T replaced by G.
Protein change: p.Leu107Arg; replaces leucine 107 with arginine.
Molecular consequence: missense variant.
Genome position (GRCh38, 1-based): chr17:36,537,421, T>G. VCF-style: chr17-36537421-T-G. GRCh37 (hg19) VCF-style: chr17-34893270-T-G.
Other names: c.320T>G, p.Leu107Arg (NM_001346755.2, NM_178517.5); short protein forms L107R.
Identifiers: ClinVar variation 1515473 (VCV001515473.5), dbSNP rs148520565, ClinGen allele CA290115859.